The following is an entry in ClinVar:

NM_006063.3(KLHL41):c.206C>T (p.Ala69Val)

Gene: KLHL41 (kelch like family member 41; plus strand). Cytogenetic location: 2q31.1.
Variant type: single nucleotide variant.
Coding change: c.206C>T on transcript NM_006063.3 (MANE Select); coding-DNA position 206, C replaced by T.
Protein change: p.Ala69Val; replaces alanine 69 with valine.
Molecular consequence: missense variant.
Genome position (GRCh38, 1-based): chr2:169,509,984, C>T. VCF-style: chr2-169509984-C-T. GRCh37 (hg19) VCF-style: chr2-170366494-C-T.
Other names: short protein forms A69V.
Identifiers: ClinVar variation 1311677 (VCV001311677.8), dbSNP rs151212497, ClinGen allele CA1956463.
Genomic context (GRCh38, chr2:169,509,984, plus strand): 5'-TGATTTTGTCAGCTTGTAGTCCTTACTTCCGTGAGTACTTTTTATCTGAAATTGATGAGG[C>T]GAAAAAAAAGGAGGTAGTGCTAGACAATGTGGATCCTGCTATACTTGATTTAATCATCAA-3'
Protein context (NP_006054.2, residues 59-79): REYFLSEIDE[Ala69Val]KKKEVVLDNV

ClinVar aggregate classification (germline): Uncertain significance. Review status: criteria provided, multiple submitters, no conflicts (2 of 4 stars). 4 submissions from 4 submitters: Uncertain significance (4). Last evaluated 2024-10-19.

Conditions:
Nemaline myopathy 9 (NEM9). Identifiers: MedGen C3810384, MONDO:0014326, OMIM 615731.
Inborn genetic diseases. Identifiers: MedGen C0950123, MeSH D030342.

Allele frequency attached by ClinVar (database versions not stated): gnomAD exomes 0.00004 and 0.00007; TOPMed 0.00024; ExAC 0.00008; gnomAD 0.00021 and 0.00020; ESP Exome Variant Server 0.00031.
gnomAD v4.1: 88 of 1,609,168 alleles (0.0055%); highest among the groups gnomAD compares: African/African-American, 0.071%; no homozygotes.

Submissions (4):

Ambry Genetics
Classification: Uncertain significance for Inborn genetic diseases. Last evaluated: 2024-10-19. Review status: criteria provided, single submitter. Criteria: Ambry Variant Classification Scheme 2023. Collection method: clinical testing. Allele origin: germline.

Revvity Omics, Revvity
Classification: Uncertain significance for Nemaline myopathy 9. Last evaluated: 2024-04-23. Review status: criteria provided, single submitter. Criteria: ACMG Guidelines, 2015. Collection method: clinical testing. Allele origin: germline.

Labcorp Genetics (formerly Invitae), Labcorp
Classification: Uncertain significance for Nemaline myopathy 9. Last evaluated: 2022-08-06. Review status: criteria provided, single submitter. Criteria: Invitae Variant Classification Sherloc (09022015). Collection method: clinical testing. Allele origin: germline.
Comment: This sequence change replaces alanine, which is neutral and non-polar, with valine, which is neutral and non-polar, at codon 69 of the KLHL41 protein (p.Ala69Val). This variant is present in population databases (rs151212497, gnomAD 0.09%). This variant has not been reported in the literature in individuals affected with KLHL41-related conditions. ClinVar contains an entry for this variant (Variation ID: 1311677). Algorithms developed to predict the effect of missense changes on protein structure and function (SIFT, PolyPhen-2, Align-GVGD) all suggest that this variant is likely to be tolerated. Algorithms developed to predict the effect of sequence changes on RNA splicing suggest that this variant may create or strengthen a splice site. In summary, the available evidence is currently insufficient to determine the role of this variant in disease. Therefore, it has been classified as a Variant of Uncertain Significance.

GeneDx
Classification: Uncertain significance. Last evaluated: 2020-01-09. Review status: criteria provided, single submitter. Criteria: GeneDx Variant Classification Process June 2021. Collection method: clinical testing. Allele origin: germline. Affected: yes.
Comment: In silico analysis, which includes protein predictors and evolutionary conservation, supports that this variant does not alter protein structure/function; Has not been previously published as pathogenic or benign to our knowledge